The following is an entry in ClinVar:

ClinVar aggregate classification (germline): Uncertain significance. Review status: criteria provided, multiple submitters, no conflicts (2 of 4 stars). 2 submissions from 2 submitters: Uncertain significance (2). Last evaluated 2024-11-18.

Conditions:
Hereditary spastic paraplegia 62. Also called: Spastic paraplegia 62, autosomal recessive. Identifiers: Orphanet 401785, MedGen C4284588, MONDO:0014302, OMIM 615681.

Allele frequency attached by ClinVar (database versions not stated): gnomAD exomes 0.00001; ExAC 0.00002; TOPMed 0.00002.
gnomAD v4.1: 13 of 1,612,166 alleles (0.00081%); highest among the groups gnomAD compares: Admixed American, 0.01%; no homozygotes.

Submissions (2):

Labcorp Genetics (formerly Invitae), Labcorp
Classification: Uncertain significance for Hereditary spastic paraplegia 62. Last evaluated: 2024-11-18. Review status: criteria provided, single submitter. Criteria: Invitae Variant Classification Sherloc (09022015). Collection method: clinical testing. Allele origin: germline.
Comment: This sequence change replaces methionine, which is neutral and non-polar, with valine, which is neutral and non-polar, at codon 54 of the ERLIN1 protein (p.Met54Val). This variant is present in population databases (rs769618226, gnomAD 0.02%). This variant has not been reported in the literature in individuals affected with ERLIN1-related conditions. ClinVar contains an entry for this variant (Variation ID: 2174083). Invitae Evidence Modeling of protein sequence and biophysical properties (such as structural, functional, and spatial information, amino acid conservation, physicochemical variation, residue mobility, and thermodynamic stability) has been performed for this missense variant. However, the output from this modeling did not meet the statistical confidence thresholds required to predict the impact of this variant on ERLIN1 protein function. In summary, the available evidence is currently insufficient to determine the role of this variant in disease. Therefore, it has been classified as a Variant of Uncertain Significance.

Ambry Genetics
Classification: Uncertain significance. Last evaluated: 2022-09-14. Review status: criteria provided, single submitter. Criteria: Ambry Variant Classification Scheme 2023. Collection method: clinical testing. Allele origin: germline.

NM_006459.4(ERLIN1):c.160A>G (p.Met54Val)

Gene: ERLIN1 (ER lipid raft associated 1; minus strand). Cytogenetic location: 10q24.31.
Variant type: single nucleotide variant.
Coding change: c.160A>G on transcript NM_006459.4 (MANE Select); coding-DNA position 160, A replaced by G.
Protein change: p.Met54Val; replaces methionine 54 with valine.
Molecular consequence: missense variant. On other transcripts: 5 prime UTR variant (1), non-coding transcript variant (5), intron variant (1).
Genome position (GRCh38, 1-based): chr10:100,183,791, T>C on the plus strand (A>G on the coding strand, the complement: ERLIN1 is on the minus strand). VCF-style: chr10-100183791-T-C. GRCh37 (hg19) VCF-style: chr10-101943548-T-C.
Other names: c.160A>G, p.Met54Val (NM_001100626.2, NM_001347857.2, NM_001347859.2 and 2 more transcripts); c.-212A>G (NM_001347858.2); c.-58+1723A>G (NM_001347856.2); c.160A>G (NM_006459.3); short protein forms M54V.
Identifiers: ClinVar variation 2174083 (VCV002174083.4), dbSNP rs769618226, ClinGen allele CA5646153.